The following is an entry in ClinVar:

ClinVar aggregate classification (germline): Uncertain significance (1 of 4 stars; one submission).

Conditions:
Hereditary cancer-predisposing syndrome. Also called: Hereditary neoplastic syndrome; Neoplastic Syndromes, Hereditary; Tumor predisposition; Hereditary Cancer Syndrome. Identifiers: Orphanet 140162, MedGen C0027672, MeSH D009386, MONDO:0015356.

Submission:

Ambry Genetics
Classification: Uncertain significance for Hereditary cancer-predisposing syndrome. Last evaluated: 2025-02-02. Review status: criteria provided, single submitter. Criteria: Ambry Variant Classification Scheme 2023. Collection method: clinical testing. Allele origin: germline.
Comment: The p.S250G variant (also known as c.748A>G), located in coding exon 3 of the XRCC2 gene, results from an A to G substitution at nucleotide position 748. The serine at codon 250 is replaced by glycine, an amino acid with similar properties. This amino acid position is conserved. In addition, this alteration is predicted to be tolerated by in silico analysis. Based on the available evidence, the clinical significance of this variant remains unclear.

NM_005431.2(XRCC2):c.748A>G (p.Ser250Gly)

Gene: XRCC2 (X-ray repair cross complementing 2; minus strand). Cytogenetic location: 7q36.1.
Variant type: single nucleotide variant.
Coding change: c.748A>G on transcript NM_005431.2 (MANE Select); coding-DNA position 748, A replaced by G.
Protein change: p.Ser250Gly; replaces serine 250 with glycine.
Molecular consequence: missense variant.
Genome position (GRCh38, 1-based): chr7:152,648,737, T>C on the plus strand (A>G on the coding strand, the complement: XRCC2 is on the minus strand). VCF-style: chr7-152648737-T-C. GRCh37 (hg19) VCF-style: chr7-152345822-T-C.
Other names: short protein forms S250G.
Identifiers: ClinVar variation 3817844 (VCV003817844.1).